The following is an entry in ClinVar:

ClinVar aggregate classification (germline): Likely benign. Review status: criteria provided, multiple submitters, no conflicts (2 of 4 stars). 2 submissions from 2 submitters: Likely benign (2). Last evaluated 2024-10-24.

Conditions:
Hypertrophic cardiomyopathy. Also called: HYPERTROPHIC MYOCARDIOPATHY. Identifiers: Orphanet 217569, MedGen C0007194, MeSH D002312, MONDO:0005045, HP:0001639.
Cardiovascular phenotype. Identifiers: MedGen CN230736.

Allele frequency attached by ClinVar (database versions not stated): gnomAD exomes below 0.00001.

Submissions (2):

Ambry Genetics
Classification: Likely benign for Cardiovascular phenotype. Last evaluated: 2024-10-24. Review status: criteria provided, single submitter. Criteria: Ambry Variant Classification Scheme 2023. Collection method: clinical testing. Allele origin: germline.

All of Us Research Program, National Institutes of Health
Classification: Likely benign for Hypertrophic cardiomyopathy. Last evaluated: 2023-06-26. Review status: criteria provided, single submitter. Criteria: ACMG Guidelines, 2015. Collection method: clinical testing. Allele origin: germline. Inheritance: Autosomal dominant inheritance. Observed: 1 variant allele, 1 heterozygote.
Comment: This study involves interpretation of variants in research participants for the purpose of population health screening. Participant phenotype was not available at the time of variant classification. Additional details can be found in publication PMID: 35346344, PMCID: PMC8962531

NM_005159.5(ACTC1):c.330C>T (p.Ala110=)

Genes: ACTC1 (actin alpha cardiac muscle 1; minus strand), GJD2-DT (GJD2 divergent transcript; plus strand). Cytogenetic location: 15q14.
Variant type: single nucleotide variant.
Coding change: c.330C>T on transcript NM_005159.5 (MANE Select); coding-DNA position 330, C replaced by T.
Protein change: p.Ala110=; no amino-acid change (alanine 110 retained).
Molecular consequence: synonymous variant. On other transcripts: 5 prime UTR variant (1).
Genome position (GRCh38, 1-based): chr15:34,793,369, G>A on the plus strand (C>T on the coding strand, the complement: ACTC1 is on the minus strand). VCF-style: chr15-34793369-G-A. GRCh37 (hg19) VCF-style: chr15-35085570-G-A.
Other names: c.330C>T, p.Ala110= (NM_001406482.1, NM_001406483.1); c.195C>T, p.Ala65= (NM_001406484.1); c.-59C>T (NM_001406485.1).
Identifiers: ClinVar variation 3075657 (VCV003075657.2), dbSNP rs1231804668, ClinGen allele CA489655737.